The following is an entry in ClinVar:

ClinVar aggregate classification (germline): Uncertain significance (1 of 4 stars; one submission).

Submission:

Labcorp Genetics (formerly Invitae), Labcorp
Classification: Uncertain significance. Last evaluated: 2022-08-01. Review status: criteria provided, single submitter. Criteria: Invitae Variant Classification Sherloc (09022015). Collection method: clinical testing. Allele origin: germline.
Comment: This variant is not present in population databases (gnomAD no frequency). This sequence change affects a donor splice site in intron 2 of the MFAP5 gene. It is expected to disrupt RNA splicing. Variants that disrupt the donor or acceptor splice site typically lead to a loss of protein function (PMID: 16199547), however the current clinical and genetic evidence is not sufficient to establish whether loss-of-function variants in MFAP5 cause disease. In summary, the available evidence is currently insufficient to determine the role of this variant in disease. Therefore, it has been classified as a Variant of Uncertain Significance. Algorithms developed to predict the effect of sequence changes on RNA splicing suggest that this variant may disrupt the consensus splice site. This variant has not been reported in the literature in individuals affected with MFAP5-related conditions.

Literature cited by the submitters: PubMed 16199547.

NM_003480.4(MFAP5):c.58+1G>A

Gene: MFAP5 (microfibril associated protein 5; minus strand). Cytogenetic location: 12p13.31.
Variant type: single nucleotide variant.
Coding change: c.58+1G>A on transcript NM_003480.4 (MANE Select); the canonical splice donor site of the intron after coding-DNA position 58, G replaced by A.
Molecular consequence: splice donor variant.
Genome position (GRCh38, 1-based): chr12:8,662,046, C>T on the plus strand (G>A on the coding strand, the complement: MFAP5 is on the minus strand). VCF-style: chr12-8662046-C-T. GRCh37 (hg19) VCF-style: chr12-8814642-C-T.
Other names: c.58+1G>A (NM_001297710.2, NM_001297711.2, NM_001297712.2 and 1 more transcripts).
Identifiers: ClinVar variation 2007456 (VCV002007456.4), dbSNP rs2540314289, ClinGen allele CA384039659.
Genomic context (GRCh38, chr12:8,662,046, plus strand): 5'-TGCCACACACGTGTATAGCTGAGGAGCTGAGGGTTTAGGGAGCAAAGAATAAAGGACTCA[C>T]CAGAGGTGATGATGAATGCAGCAAGAAACAGCAGCACCTTGGGTCCCAAGAGCGACATAT-3'